The following is an entry in ClinVar:

ClinVar aggregate classification (germline): Pathogenic (1 of 4 stars; one submission).

Conditions:
Multiple congenital exostosis (EXT). Also called: Hereditary multiple exostoses; Hereditary multiple exostosis; Hereditary multiple osteochondromas; MULTIPLE CARTILAGINOUS EXOSTOSES; Multiple exostoses; Multiple osteochondromas. Identifiers: Orphanet 321, MedGen C0015306, MONDO:0005508, HP:0002762.

Submission:

Labcorp Genetics (formerly Invitae), Labcorp
Classification: Pathogenic for Multiple congenital exostosis. Last evaluated: 2018-11-05. Review status: criteria provided, single submitter. Criteria: Invitae Variant Classification Sherloc (09022015). Collection method: clinical testing. Allele origin: germline.
Comment: This sequence change creates a premature translational stop signal (p.Tyr93Serfs*44) in the EXT1 gene. It is expected to result in an absent or disrupted protein product. This variant is not present in population databases (ExAC no frequency). Loss-of-function variants in EXT1 are known to be pathogenic (PMID: 10679937, 11391482, 19810120). For these reasons, this variant has been classified as Pathogenic.

NM_000127.3(EXT1):c.276_277dup (p.Tyr93fs)

Gene: EXT1 (exostosin glycosyltransferase 1; minus strand). Cytogenetic location: 8q24.11.
Variant type: Duplication.
Coding change: c.276_277dup on transcript NM_000127.3 (MANE Select); coding-DNA positions 276 to 277, 2 bases duplicated (CT; older notation c.276_277dupCT).
Protein change: p.Tyr93fs; shifts the reading frame from tyrosine 93.
Molecular consequence: frameshift variant.
Genome position (GRCh38, 1-based): chr8:118,110,770-118,110,771, AG duplicated on the plus strand (CT on the coding strand, the reverse complement: EXT1 is on the minus strand); duplicating any 2 consecutive bases within chr8:118,110,770-118,110,772 gives the same sequence; the c. name uses the placement nearest the transcript's 3' end. VCF-style (leftmost placement, unchanged base first): chr8-118110769-T-TAG. GRCh37 (hg19) VCF-style: chr8-119123008-T-TAG.
Other names: c.276_277dupCT (NM_000127.2); short protein forms Y93fs.
Identifiers: ClinVar variation 653826 (VCV000653826.1), dbSNP rs1586279952, ClinGen allele CA915948674.
Genomic context (GRCh38, chr8:118,110,769, plus strand): 5'-CCGTTTTTCTTGCAAAGGGTGAAATCGAAGCAGGACTCCATGCGGCACTTCTTGCCTTTG[T>TAG]AGATGCTGGAGTTGGCATCTCGCTTCTGCCGGGGGGAAATGTGCACGCTGGAATCCTCGT-3'